The following is an entry in ClinVar:

ClinVar aggregate classification (germline): Uncertain significance (1 of 4 stars; one submission).

Conditions:
PFKFB1-related condition.

Submission:

PreventionGenetics, part of Exact Sciences
Classification: Uncertain significance for PFKFB1-related condition. Last evaluated: 2026-01-30. Review status: criteria provided, single submitter. Criteria: ACMG Guidelines, 2015. Collection method: clinical testing. Allele origin: germline.
Comment: The PFKFB1 c.620T>C variant is predicted to result in the amino acid substitution p.Leu207Ser. To our knowledge, this variant has not been reported in the literature or in a large population database (gnomAD), indicating this variant is rare. At this time, the clinical significance of this variant is uncertain due to the absence of conclusive functional and genetic evidence.

NM_002625.4(PFKFB1):c.620T>C (p.Leu207Ser)

Gene: PFKFB1 (6-phosphofructo-2-kinase/fructose-2,6-biphosphatase 1; minus strand). Cytogenetic location: Xp11.21.
Variant type: single nucleotide variant.
Coding change: c.620T>C on transcript NM_002625.4 (MANE Select); coding-DNA position 620, T replaced by C.
Protein change: p.Leu207Ser; replaces leucine 207 with serine.
Molecular consequence: missense variant. On other transcripts: non-coding transcript variant (1).
Genome position (GRCh38, 1-based): chrX:54,956,171, A>G on the plus strand (T>C on the coding strand, the complement: PFKFB1 is on the minus strand). VCF-style: chrX-54956171-A-G. GRCh37 (hg19) VCF-style: chrX-54982604-A-G.
Other names: c.554T>C, p.Leu185Ser (NM_001271804.2); c.425T>C, p.Leu142Ser (NM_001271805.2); short protein forms L185S, L142S, L207S.
Identifiers: ClinVar variation 4984726 (VCV004984726.1).